The following is an entry in ClinVar:

ClinVar aggregate classification (germline): Uncertain significance (0 of 4 stars; one submission).

Conditions:
MAF-related disorder. Also called: MAF-related condition.

Submission:

PreventionGenetics, part of Exact Sciences
Classification: Uncertain significance for MAF-related condition. Last evaluated: 2024-04-02. Review status: no assertion criteria provided. Collection method: clinical testing. Allele origin: germline.
Comment: The MAF c.192dupC variant is predicted to result in a frameshift and premature protein termination (p.Ser65Glnfs*311). To our knowledge, this variant has not been reported in the literature or in a large population database, indicating this variant is rare. Loss of function has not been a well documented mechanism of MAF-related disease (Human Gene Mutation Database). Although we suspect that this variant may be pathogenic, at this time, the clinical significance of this variant is uncertain due to the absence of conclusive functional and genetic evidence.

NM_005360.5(MAF):c.192dup (p.Ser65fs)

Gene: MAF (MAF bZIP transcription factor; minus strand). Cytogenetic location: 16q23.2.
Variant type: Duplication.
Coding change: c.192dup on transcript NM_005360.5 (MANE Select); coding-DNA position 192, one base duplicated (C; older notation c.192dupC).
Protein change: p.Ser65fs; shifts the reading frame from serine 65.
Molecular consequence: frameshift variant.
Genome position (GRCh38, 1-based): chr16:79,599,711, G duplicated on the plus strand (C on the coding strand, the reverse complement: MAF is on the minus strand). VCF-style (leftmost placement, unchanged base first): chr16-79599710-T-TG. GRCh37 (hg19) VCF-style: chr16-79633607-T-TG.
Other names: c.192dup, p.Ser65fs (NM_001031804.3); short protein forms S65fs.
Identifiers: ClinVar variation 3033854 (VCV003033854.2), dbSNP rs2507667497, ClinGen allele CA2740093439.
Genomic context (GRCh38, chr16:79,599,710, plus strand): 5'-TCTGCTCGCTGCCCGAGCCCGGGCTGGGCGCCGAGAAGCTGGGGGAAGGGGGCACCGAGC[T>TG]GCACGGCGTGCTCATGGGGGTGGAGGACAGCGAGCCCCCGGCGATGAGACGGCCGCACTG-3'